The following is an entry in ClinVar:

NM_001114122.3(CHEK1):c.-37G>A

Gene: CHEK1 (checkpoint kinase 1; plus strand). Cytogenetic location: 11q24.2.
Variant type: single nucleotide variant.
Coding change: c.-37G>A on transcript NM_001114122.3 (MANE Select); 37 bases upstream of the start codon, G replaced by A.
Molecular consequence: 5 prime UTR variant. On other transcripts: non-coding transcript variant (1).
Genome position (GRCh38, 1-based): chr11:125,625,996, G>A. VCF-style: chr11-125625996-G-A. GRCh37 (hg19) VCF-style: chr11-125495891-G-A.
Other names: c.-37G>A (NM_001114121.2, NM_001244846.1); c.-116G>A (NM_001330427.2).
Identifiers: ClinVar variation 3035097 (VCV003035097.2), dbSNP rs556405813, ClinGen allele CA6349270.
Genomic context (GRCh38, chr11:125,625,996, plus strand): 5'-GCAGCGTGACGCCCTCAAGTTTTGGCGGGAAAAGCGCTGCATTTGGATTCCTGCAGTGGT[G>A]GGCAAAGGACAGTCCGGTGAGGAAGGGCGGCCGGTAGAGTAGGGAAGGTTTCTAAAGAAG-3'

ClinVar aggregate classification (germline): Likely benign (0 of 4 stars; one submission).

Conditions:
CHEK1-related disorder. Also called: CHEK1-related condition.

Allele frequency attached by ClinVar (database versions not stated): TOPMed 0.00110; ExAC 0.00141; gnomAD 0.00141; gnomAD exomes 0.00205.
gnomAD v4.1: 1,322 of 702,294 alleles (0.19%); highest among the groups gnomAD compares: Non-Finnish European, 0.25%; 2 homozygotes.

Submission:

PreventionGenetics, part of Exact Sciences
Classification: Likely benign for CHEK1-related condition. Last evaluated: 2022-03-02. Review status: no assertion criteria provided. Collection method: clinical testing. Allele origin: germline.
Comment: This variant is classified as likely benign based on ACMG/AMP sequence variant interpretation guidelines (Richards et al. 2015 PMID: 25741868, with internal and published modifications).